The following is an entry in ClinVar:

ClinVar aggregate classification (germline): Uncertain significance. Review status: criteria provided, multiple submitters, no conflicts (2 of 4 stars). 3 submissions from 3 submitters: Uncertain significance (3). Last evaluated 2025-08-03.

Conditions:
Primary ciliary dyskinesia. Also called: Ciliary dyskinesia. Identifiers: Orphanet 244, MedGen C0008780, MONDO:0016575, HP:0012265.
Primary ciliary dyskinesia 3. Identifiers: Orphanet 244, MedGen C1837618, MONDO:0012085, OMIM 608644.

Allele frequency attached by ClinVar (database versions not stated): gnomAD exomes below 0.00001 and 0.00002; TOPMed 0.00001; ExAC 0.00002.
gnomAD v4.1: 16 of 1,614,112 alleles (0.00099%); highest among the groups gnomAD compares: East Asian, 0.0089%; no homozygotes.

Submissions (3):

Ambry Genetics
Classification: Uncertain significance for Primary ciliary dyskinesia. Last evaluated: 2025-08-03. Review status: criteria provided, single submitter. Criteria: Ambry Variant Classification Scheme 2023. Collection method: clinical testing. Allele origin: germline.

3billion
Classification: Uncertain significance for Primary ciliary dyskinesia 3. Last evaluated: 2022-03-22. Review status: criteria provided, single submitter. Criteria: ACMG Guidelines, 2015. Collection method: clinical testing. Allele origin: germline. Affected: yes. Observed: 1 heterozygote.
Comment: The variant is observed at an extremely low frequency in the gnomAD v2.1.1 dataset (total allele frequency: 0.0000159). In silico tool predictions suggest damaging effect of the variant on gene or gene product (REVEL: 0.684>=0.6, 3CNET: 0.894>=0.75). Therefore, this variant is classified as uncertain significance according to the recommendation of ACMG/AMP guideline.

Fulgent Genetics
Classification: Uncertain significance for Primary ciliary dyskinesia 3. Last evaluated: 2021-10-07. Review status: criteria provided, single submitter. Criteria: ACMG Guidelines, 2015. Collection method: clinical testing. Allele origin: unknown.

NM_001369.3(DNAH5):c.4556T>A (p.Ile1519Asn)

Genes: DNAH5 (dynein axonemal heavy chain 5; minus strand), DNAH5-AS1 (DNAH5 antisense RNA 1; plus strand). Cytogenetic location: 5p15.2.
Variant type: single nucleotide variant.
Coding change: c.4556T>A on transcript NM_001369.3 (MANE Select); coding-DNA position 4556, T replaced by A.
Protein change: p.Ile1519Asn; replaces isoleucine 1519 with asparagine.
Molecular consequence: missense variant.
Genome position (GRCh38, 1-based): chr5:13,864,437, A>T on the plus strand (T>A on the coding strand, the complement: DNAH5 is on the minus strand). VCF-style: chr5-13864437-A-T. GRCh37 (hg19) VCF-style: chr5-13864546-A-T.
Other names: c.4556T>A (NM_001369.2); short protein forms I1519N.
Identifiers: ClinVar variation 1526204 (VCV001526204.3), dbSNP rs371453794, ClinGen allele CA3203956.